The following is an entry in ClinVar:

ClinVar aggregate classification (germline): Uncertain significance (1 of 4 stars; one submission).

Allele frequency attached by ClinVar (database versions not stated): gnomAD 0.00002; TOPMed 0.00003; ExAC 0.00008; 1000 Genomes Project 30x 0.00016; 1000 Genomes Project 0.00020.
gnomAD v4.1: 90 of 1,613,974 alleles (0.0056%); highest among the groups gnomAD compares: South Asian, 0.056%; no homozygotes.

Submissions (2):

Labcorp Genetics (formerly Invitae), Labcorp
Classification: Uncertain significance. Last evaluated: 2025-12-09. Review status: criteria provided, single submitter. Criteria: Invitae Variant Classification Sherloc (09022015). Collection method: clinical testing. Allele origin: germline.
Comment: This sequence change replaces threonine, which is neutral and polar, with methionine, which is neutral and non-polar, at codon 207 of the TNFRSF9 protein (p.Thr207Met). This variant is present in population databases (rs555723076, gnomAD 0.05%). This variant has not been reported in the literature in individuals affected with TNFRSF9-related conditions. ClinVar contains an entry for this variant (Variation ID: 1933977). An algorithm developed to predict the effect of missense changes on protein structure and function outputs the following: PolyPhen-2: "Benign". The methionine amino acid residue is found in multiple mammalian species, which suggests that this missense change does not adversely affect protein function. In summary, the available evidence is currently insufficient to determine the role of this variant in disease. Therefore, it has been classified as a Variant of Uncertain Significance.

Dr. Peter K. Rogan Lab, Western University
No classification provided (evidence only). Condition: Malignant tumor of urinary bladder. Review status: no classification provided. Collection method: in vitro. Allele origin: not applicable. Functional consequence: retained intron. Not counted in ClinVar's aggregate classification.

NM_001561.6(TNFRSF9):c.620C>T (p.Thr207Met)

Gene: TNFRSF9 (TNF receptor superfamily member 9; minus strand). Cytogenetic location: 1p36.23.
Variant type: single nucleotide variant.
Coding change: c.620C>T on transcript NM_001561.6 (MANE Select); coding-DNA position 620, C replaced by T.
Protein change: p.Thr207Met; replaces threonine 207 with methionine.
Molecular consequence: missense variant.
Genome position (GRCh38, 1-based): chr1:7,933,221, G>A on the plus strand (C>T on the coding strand, the complement: TNFRSF9 is on the minus strand). VCF-style: chr1-7933221-G-A. GRCh37 (hg19) VCF-style: chr1-7993281-G-A.
Other names: short protein forms T207M.
Identifiers: ClinVar variation 1933977 (VCV001933977.4), dbSNP rs555723076, ClinGen allele CA569151.